The following is an entry in ClinVar:

NM_000558.5(HBA1):c.173G>A (p.Gly58Asp)

Genes: HBA1 (hemoglobin subunit alpha 1; plus strand), LOC106804613 (hemoglobin subunit alpha 1 recombination region; plus strand). Cytogenetic location: 16p13.3.
Variant type: single nucleotide variant.
Coding change: c.173G>A on transcript NM_000558.5 (MANE Select); coding-DNA position 173, G replaced by A.
Protein change: p.Gly58Asp; replaces glycine 58 with aspartic acid.
Molecular consequence: missense variant.
Genome position (GRCh38, 1-based): chr16:177,006, G>A. VCF-style: chr16-177006-G-A. GRCh37 (hg19) VCF-style: chr16-227005-G-A.
Other names: G57D; short protein forms G58D.
Identifiers: ClinVar variation 15790 (VCV000015790.4), dbSNP rs36062788, ClinGen allele CA125841.

ClinVar aggregate classification (germline): Likely benign. Review status: criteria provided, single submitter (1 of 4 stars). 5 submissions from 2 submitters: Likely benign (1). 4 of the submissions do not count toward it. Last evaluated 2025-03-24.

Conditions:
HEMOGLOBIN NORFOLK.
HEMOGLOBIN J (NORFOLK).
HEMOGLOBIN KAGOSHIMA.
HEMOGLOBIN NISHIK.

Allele frequency attached by ClinVar (database versions not stated): gnomAD exomes below 0.00001.
gnomAD v4.1: 1 of 1,323,722 alleles (0.000076%); highest among the groups gnomAD compares: Non-Finnish European, 0.00011%; no homozygotes.

Submissions (5):

ARUP Laboratories, Molecular Genetics and Genomics, ARUP Laboratories
Classification: Likely benign. Last evaluated: 2025-03-24. Review status: criteria provided, single submitter. Criteria: ARUP Molecular Germline Variant Investigation Process 2024. Collection method: clinical testing. Allele origin: germline.
Comment: The Hb J-Norfolk variant (HBA1 or HBA2: c.173G>A; p.Gly58Asp, also known as Gly57Asp when numbered from the mature protein, and also known as Hb Kagoshima, Hb Nishik-I, Hb Nishik-II, Hb Nishik-III, rs281864844/rs36062788, HbVar ID: 84, ClinVar Variation ID: 15790/801171) is reported in the literature in multiple asymptomatic individuals in the heterozygous state (see HbVar link, Imamura 1966, Mehrotra 1975, Nair 2018). However, the phenotype of this variant in the presence of other alpha globin variants is unknown. This variant is absent from the Genome Aggregation Database (v2.1.1), indicating it is not a common polymorphism. Computational analyses are uncertain whether this variant is neutral or deleterious (REVEL: 0.595). Based on available information, this variant is considered to be likely benign. References: Link to HbVar database: Imamura T. Hemoglobin Kagoshima: an example of hemoglobin Norfolk in a Japanese family. Am J Hum Genet. 1966 Nov;18(6):584-93. PMID: 5927878. Mehrotra TN et al. Haemoglobin norfolk in nepali gorkhas. Humangenetik. 1975;27(4):347-9. PMID: 1150256. Nair SB et al. Hematological and Molecular Findings in the First Case of Hb J-Norfolk (HBA2: c.173G>A (or HBA1)) in an Indian Patient. Hemoglobin. 2018 Sep-Nov;42(5-6):333-335. PMID: 30646764.

OMIM
Classification: other for HEMOGLOBIN NORFOLK. Last evaluated: 1984-03-10. Review status: no assertion criteria provided. Collection method: literature only. Allele origin: germline. Not counted in ClinVar's aggregate classification.

OMIM
Classification: other for HEMOGLOBIN J (NORFOLK). Last evaluated: 1984-03-10. Review status: no assertion criteria provided. Collection method: literature only. Allele origin: germline. Not counted in ClinVar's aggregate classification.

OMIM
Classification: other for HEMOGLOBIN KAGOSHIMA. Last evaluated: 1984-03-10. Review status: no assertion criteria provided. Collection method: literature only. Allele origin: germline. Not counted in ClinVar's aggregate classification.

OMIM
Classification: other for HEMOGLOBIN NISHIK. Last evaluated: 1984-03-10. Review status: no assertion criteria provided. Collection method: literature only. Allele origin: germline. Not counted in ClinVar's aggregate classification.

Literature cited by the submitters: PubMed 13436817 (cited by OMIM); PubMed 13968953 (cited by OMIM); PubMed 13955802 (cited by OMIM); Hanada, M., Ohta, Y., Imamura, T., Fejimura, T., Kawasaki, K., Kosaka, K., Yamaoka, K., Seita, M. Studies of abnormal hemoglobins in western Japan. (Abstract) Jpn. J. Hum. Genet. 9: 253-254, 1964. (cited by OMIM); PubMed 5927878 (cited by OMIM); PubMed 6199634 (cited by OMIM).